The following is an entry in ClinVar:

NM_001351132.2(PEX5):c.*628G>A

Gene: PEX5 (peroxisomal biogenesis factor 5; plus strand). Cytogenetic location: 12p13.31.
Variant type: single nucleotide variant.
Coding change: c.*628G>A on transcript NM_001351132.2 (MANE Select); 628 bases downstream of the stop codon, G replaced by A.
Molecular consequence: 3 prime UTR variant. On other transcripts: intron variant (2).
Genome position (GRCh38, 1-based): chr12:7,210,851, G>A. VCF-style: chr12-7210851-G-A. GRCh37 (hg19) VCF-style: chr12-7363447-G-A.
Other names: c.*628G>A (NM_000319.5, NM_001131023.2, NM_001131024.2 and 20 more transcripts); c.*19+609G>A (NM_001131026.2, NM_001374646.1).
Identifiers: ClinVar variation 310449 (VCV000310449.6), dbSNP rs12316371, ClinGen allele CA10633562.

ClinVar aggregate classification (germline): Benign. Review status: criteria provided, multiple submitters, no conflicts (2 of 4 stars). 2 submissions from 2 submitters: Benign (2). Last evaluated 2018-01-12.

Conditions:
Peroxisome biogenesis disorder 2A (Zellweger) (PBD2A). Also called: Cerebrohepatorenal syndrome, variant types. Identifiers: Orphanet 912, MedGen C3550273, MONDO:0008954, OMIM 214110.

Allele frequency attached by ClinVar (database versions not stated): TOPMed 0.06545; 1000 Genomes Project 30x 0.08963; 1000 Genomes Project 0.09245.
gnomAD v4.1: 12,822 of 172,370 alleles (7.4%); highest among the groups gnomAD compares: South Asian, 22%; 627 homozygotes.

Submissions (2):

Illumina Laboratory Services, Illumina
Classification: Benign for Peroxisome biogenesis disorder 2A (Zellweger). Last evaluated: 2018-01-12. Review status: criteria provided, single submitter. Criteria: ICSL Variant Classification Criteria 13 December 2019. Collection method: clinical testing. Allele origin: germline.
Comment: This variant was observed in the ICSL laboratory as part of a predisposition screen in an ostensibly healthy population. It had not been previously curated by ICSL or reported in the Human Gene Mutation Database (HGMD: prior to June 1st, 2018), and was therefore a candidate for classification through an automated scoring system. Utilizing variant allele frequency, disease prevalence and penetrance estimates, and inheritance mode, an automated score was calculated to assess if this variant is too frequent to cause the disease. Based on the score and internal cut-off values, a variant classified as benign is not then subjected to further curation. The score for this variant resulted in a classification of benign for this disease.

Breakthrough Genomics
Classification: Benign. Review status: criteria provided, single submitter. Criteria: ACMG Guidelines, 2015. Collection method: not provided. Allele origin: germline. Inheritance: Autosomal recessive inheritance. Affected: yes.